The following is an entry in ClinVar:

ClinVar aggregate classification (germline): Uncertain significance (1 of 4 stars; one submission).

gnomAD v4.1: 39 of 1,602,210 alleles (0.0024%); highest among the groups gnomAD compares: Non-Finnish European, 0.0033%; no homozygotes.

Submission:

Labcorp Genetics (formerly Invitae), Labcorp
Classification: Uncertain significance. Last evaluated: 2024-01-31. Review status: criteria provided, single submitter. Criteria: Invitae Variant Classification Sherloc (09022015). Collection method: clinical testing. Allele origin: germline.
Comment: This sequence change replaces lysine, which is basic and polar, with glutamic acid, which is acidic and polar, at codon 229 of the LAMB1 protein (p.Lys229Glu). This variant is present in population databases (rs535853982, gnomAD 0.0009%). This variant has not been reported in the literature in individuals affected with LAMB1-related conditions. An algorithm developed to predict the effect of missense changes on protein structure and function (PolyPhen-2) suggests that this variant is likely to be disruptive. In summary, the available evidence is currently insufficient to determine the role of this variant in disease. Therefore, it has been classified as a Variant of Uncertain Significance.

NM_002291.3(LAMB1):c.685A>G (p.Lys229Glu)

Gene: LAMB1 (laminin subunit beta 1; minus strand). Cytogenetic location: 7q31.1.
Variant type: single nucleotide variant.
Coding change: c.685A>G on transcript NM_002291.3 (MANE Select); coding-DNA position 685, A replaced by G.
Protein change: p.Lys229Glu; replaces lysine 229 with glutamic acid.
Molecular consequence: missense variant.
Genome position (GRCh38, 1-based): chr7:107,980,803, T>C on the plus strand (A>G on the coding strand, the complement: LAMB1 is on the minus strand). VCF-style: chr7-107980803-T-C. GRCh37 (hg19) VCF-style: chr7-107621248-T-C.
Other names: short protein forms K229E.
Identifiers: ClinVar variation 3699508 (VCV003699508.2).